The following is an entry in ClinVar:

NM_014000.3(VCL):c.803G>A (p.Arg268Lys)

Gene: VCL (vinculin; plus strand). Cytogenetic location: 10q22.2.
Variant type: single nucleotide variant.
Coding change: c.803G>A on transcript NM_014000.3 (MANE Select); coding-DNA position 803, G replaced by A.
Protein change: p.Arg268Lys; replaces arginine 268 with lysine.
Molecular consequence: missense variant.
Genome position (GRCh38, 1-based): chr10:74,082,473, G>A. VCF-style: chr10-74082473-G-A. GRCh37 (hg19) VCF-style: chr10-75842231-G-A.
Other names: c.803G>A, p.Arg268Lys (NM_003373.4); short protein forms R268K.
Identifiers: ClinVar variation 2760657 (VCV002760657.3), dbSNP rs1475602649, ClinGen allele CA377269492.

ClinVar aggregate classification (germline): Uncertain significance (1 of 4 stars; one submission).

Conditions:
Dilated cardiomyopathy 1W (CMD1W). Identifiers: Orphanet 154, MedGen C1969639, MONDO:0012667, OMIM 611407.

Submission:

Labcorp Genetics (formerly Invitae), Labcorp
Classification: Uncertain significance for Dilated cardiomyopathy 1W. Last evaluated: 2023-09-14. Review status: criteria provided, single submitter. Criteria: Invitae Variant Classification Sherloc (09022015). Collection method: clinical testing. Allele origin: germline.
Comment: This sequence change replaces arginine, which is basic and polar, with lysine, which is basic and polar, at codon 268 of the VCL protein (p.Arg268Lys). In summary, the available evidence is currently insufficient to determine the role of this variant in disease. Therefore, it has been classified as a Variant of Uncertain Significance. An algorithm developed to predict the effect of missense changes on protein structure and function (PolyPhen-2) suggests that this variant is likely to be disruptive. This variant has not been reported in the literature in individuals affected with VCL-related conditions. This variant is not present in population databases (gnomAD no frequency).